The following is an entry in ClinVar:

NM_001999.4(FBN2):c.*273T>C

Gene: FBN2 (fibrillin 2; minus strand). Cytogenetic location: 5q23.3.
Variant type: single nucleotide variant.
Coding change: c.*273T>C on transcript NM_001999.4 (MANE Select); 273 bases downstream of the stop codon, T replaced by C.
Molecular consequence: 3 prime UTR variant.
Genome position (GRCh38, 1-based): chr5:128,259,182, A>G on the plus strand (T>C on the coding strand, the complement: FBN2 is on the minus strand). VCF-style: chr5-128259182-A-G. GRCh37 (hg19) VCF-style: chr5-127594874-A-G.
Identifiers: ClinVar variation 350751 (VCV000350751.5), dbSNP rs142804569, ClinGen allele CA10622465.

ClinVar aggregate classification (germline): Benign (1 of 4 stars; one submission).

Conditions:
Congenital contractural arachnodactyly (CCA). Also called: BEALS SYNDROME; Beals-Hecht syndrome; Arthrogryposis, distal, type 9. Identifiers: Orphanet 115, MedGen C0220668, MONDO:0007363, OMIM 121050.

Allele frequency attached by ClinVar (database versions not stated): gnomAD exomes 0.00032; 1000 Genomes Project 30x 0.00219; 1000 Genomes Project 0.00220; gnomAD 0.00225 and 0.00234; TOPMed 0.00227.
gnomAD v4.1: 419 of 416,466 alleles (0.1%); highest among the groups gnomAD compares: African/African-American, 0.73%; 5 homozygotes.

Submission:

Illumina Laboratory Services, Illumina
Classification: Benign for Congenital contractural arachnodactyly. Last evaluated: 2018-01-13. Review status: criteria provided, single submitter. Criteria: ICSL Variant Classification Criteria 13 December 2019. Collection method: clinical testing. Allele origin: germline.
Comment: This variant was observed in the ICSL laboratory as part of a predisposition screen in an ostensibly healthy population. It had not been previously curated by ICSL or reported in the Human Gene Mutation Database (HGMD: prior to June 1st, 2018), and was therefore a candidate for classification through an automated scoring system. Utilizing variant allele frequency, disease prevalence and penetrance estimates, and inheritance mode, an automated score was calculated to assess if this variant is too frequent to cause the disease. Based on the score and internal cut-off values, a variant classified as benign is not then subjected to further curation. The score for this variant resulted in a classification of benign for this disease.